The following is an entry in ClinVar:

NM_001037132.4(NRCAM):c.3853G>A (p.Ala1285Thr)

Gene: NRCAM (neuronal cell adhesion molecule; minus strand). Cytogenetic location: 7q31.1.
Variant type: single nucleotide variant.
Coding change: c.3853G>A on transcript NM_001037132.4 (MANE Select); coding-DNA position 3853, G replaced by A.
Protein change: p.Ala1285Thr; replaces alanine 1285 with threonine.
Molecular consequence: missense variant. On other transcripts: 3 prime UTR variant (2), non-coding transcript variant (5).
Genome position (GRCh38, 1-based): chr7:108,149,972, C>T on the plus strand (G>A on the coding strand, the complement: NRCAM is on the minus strand). VCF-style: chr7-108149972-C-T. GRCh37 (hg19) VCF-style: chr7-107790417-C-T.
Other names: c.3574G>A, p.Ala1192Thr (NM_001193582.2, NM_001371128.1, NM_001371144.1 and 1 more transcripts); c.3517G>A, p.Ala1173Thr (NM_001193583.2, NM_001371122.1, NM_001371139.1 and 7 more transcripts); c.3481G>A, p.Ala1161Thr (NM_001193584.2, NM_001371162.1); c.3805G>A, p.Ala1269Thr (NM_001371119.1); c.3583G>A, p.Ala1195Thr (NM_001371123.1, NM_001371149.1); c.3796G>A, p.Ala1266Thr (NM_001371124.1, NM_001371126.1, NM_001371172.1); c.3229G>A, p.Ala1077Thr (NM_001371125.1, NM_001371147.1); c.3571G>A, p.Ala1191Thr (NM_001371127.1); and 26 more; short protein forms A1074T, A1077T, A1102T, A1170T, A1176T, A1195T, A1203T, A1224T.
Identifiers: ClinVar variation 714356 (VCV000714356.6), dbSNP rs74708699, ClinGen allele CA4438191.

ClinVar aggregate classification (germline): Benign. Review status: criteria provided, multiple submitters, no conflicts (2 of 4 stars). 3 submissions from 3 submitters: Benign (2). 1 of the submissions does not count toward it. Last evaluated 2018-04-20.

Conditions:
NRCAM-related disorder.

Allele frequency attached by ClinVar (database versions not stated): gnomAD exomes 0.00071 and 0.00184; ExAC 0.00239; 1000 Genomes Project 0.00719; gnomAD 0.00740 and 0.00808; TOPMed 0.00852; ESP Exome Variant Server 0.00907; 1000 Genomes Project 30x 0.00953.
gnomAD v4.1: 2,204 of 1,613,966 alleles (0.14%); highest among the groups gnomAD compares: African/African-American, 2.5%; 26 homozygotes.

Submissions (3):

Labcorp Genetics (formerly Invitae), Labcorp
Classification: Benign. Last evaluated: 2018-04-20. Review status: criteria provided, single submitter. Criteria: Invitae Variant Classification Sherloc (09022015). Collection method: clinical testing. Allele origin: germline.

Breakthrough Genomics
Classification: Benign. Review status: criteria provided, single submitter. Criteria: ACMG Guidelines, 2015. Collection method: not provided. Allele origin: germline. Inheritance: Autosomal recessive inheritance. Affected: yes.

PreventionGenetics, part of Exact Sciences
Classification: Benign for NRCAM-related condition. Last evaluated: 2019-07-31. Review status: no assertion criteria provided. Collection method: clinical testing. Allele origin: germline. Not counted in ClinVar's aggregate classification.
Comment: This variant is classified as benign based on ACMG/AMP sequence variant interpretation guidelines (Richards et al. 2015 PMID: 25741868, with internal and published modifications).